The following is an entry in ClinVar:

NM_006755.2(TALDO1):c.516dup (p.Ala173fs)

Genes: TALDO1 (transaldolase 1; plus strand), LOC126861110 (CDK7 strongly-dependent group 2 enhancer GRCh37_chr11:762588-763787; plus strand). Cytogenetic location: 11p15.5.
Variant type: Duplication.
Coding change: c.516dup on transcript NM_006755.2 (MANE Select); coding-DNA position 516, one base duplicated (C; older notation c.516dupC).
Protein change: p.Ala173fs; shifts the reading frame from alanine 173.
Molecular consequence: frameshift variant.
Genome position (GRCh38, 1-based): chr11:763,398, C duplicated. VCF-style (leftmost placement, unchanged base first): chr11-763397-T-TC. GRCh37 (hg19) VCF-style: chr11-763397-T-TC.
Other names: short protein forms A173fs.
Identifiers: ClinVar variation 208617 (VCV000208617.4), dbSNP rs797045110, ClinGen allele CA204582.

ClinVar aggregate classification (germline): Pathogenic (1 of 4 stars; one submission).

Conditions:
Deficiency of transaldolase. Also called: EYAID SYNDROME. Identifiers: Orphanet 101028, MedGen C1291329, MONDO:0011624, OMIM 606003.

Allele frequency attached by ClinVar (database versions not stated): gnomAD exomes below 0.00001.

Submission:

Laboratory for Molecular Medicine, Mass General Brigham Personalized Medicine
Classification: Pathogenic for Deficiency of transaldolase. Last evaluated: 2014-12-30. Review status: criteria provided, single submitter. Criteria: LMM Criteria. Collection method: clinical testing. Allele origin: germline. Inheritance: Autosomal recessive inheritance. Observed: 1 variant allele. Study: CSER-MedSeq.
Comment: The p.Ala173ArgfsX23 variant in TALDO1 has not been previously reported in individuals with disease and data from large population studies is insufficient to assess the frequency of this variant. This variant is predicted to cause a frameshift, which alters the protein’s amino acid sequence beginning at position 173 and leads to a premature termination codon 23 amino acids downstream. This alteration is then predicted to lead to a truncated or absent protein. Biallelic loss of function variants in TALDO1 have been shown to cause transaldolase deficiency. In summary, this variant meets our criteria to be classified as pathogenic for transaldolase deficiency in an autosomal recessive manner.